The following is an entry in ClinVar:

ClinVar aggregate classification (germline): Uncertain significance. Review status: criteria provided, multiple submitters, no conflicts (2 of 4 stars). 2 submissions from 2 submitters: Uncertain significance (2). Last evaluated 2024-08-28.

Conditions:
Inborn genetic diseases. Identifiers: MedGen C0950123, MeSH D030342.

Allele frequency attached by ClinVar (database versions not stated): ExAC 0.00002; gnomAD 0.00003; TOPMed 0.00002; gnomAD exomes 0.00003.

Submissions (2):

Ambry Genetics
Classification: Uncertain significance for Inborn genetic diseases. Last evaluated: 2024-08-28. Review status: criteria provided, single submitter. Criteria: Ambry Variant Classification Scheme 2023. Collection method: clinical testing. Allele origin: germline.

Genetic Services Laboratory, University of Chicago
Classification: Uncertain significance. Last evaluated: 2020-11-16. Review status: criteria provided, single submitter. Criteria: ACMG Guidelines, 2015. Collection method: clinical testing. Allele origin: germline. Affected: no.
Comment: DNA sequence analysis of the CDT1 gene demonstrated a sequence change, c.1540C>T, in exon 10 that results in an amino acid change, p.Arg514Cys. This sequence change does not appear to have been previously described in individuals with CDT1-related disorders and has been described in the gnomAD database with a low frequency of 0.0054% in the European sub-population (dbSNP rs766544551). The p.Arg514Cys change affects a poorly conserved amino acid residue located in a domain of the CDT1 protein that is not known to be functional. The p.Arg514Cys substitution appears to be benign using several in-silico pathogenicity prediction tools (SIFT, PolyPhen2, Align GVGD, REVEL). Due to these contrasting evidences and the lack of functional studies, the clinical significance of the p.Arg514Cys change remains unknown at this time.

NM_030928.4(CDT1):c.1540C>T (p.Arg514Cys)

Gene: CDT1 (chromatin licensing and DNA replication factor 1; plus strand). Cytogenetic location: 16q24.3.
Variant type: single nucleotide variant.
Coding change: c.1540C>T on transcript NM_030928.4 (MANE Select); coding-DNA position 1540, C replaced by T.
Protein change: p.Arg514Cys; replaces arginine 514 with cysteine.
Molecular consequence: missense variant.
Genome position (GRCh38, 1-based): chr16:88,808,177, C>T. VCF-style: chr16-88808177-C-T. GRCh37 (hg19) VCF-style: chr16-88874585-C-T.
Other names: short protein forms R514C.
Identifiers: ClinVar variation 1337775 (VCV001337775.5), dbSNP rs766544551, ClinGen allele CA8234227.